The following is an entry in ClinVar:

NM_004525.3(LRP2):c.7833C>A (p.Tyr2611Ter)

Gene: LRP2 (LDL receptor related protein 2; minus strand). Cytogenetic location: 2q31.1.
Variant type: single nucleotide variant.
Coding change: c.7833C>A on transcript NM_004525.3 (MANE Select); coding-DNA position 7833, C replaced by A.
Protein change: p.Tyr2611Ter; replaces tyrosine 2611 with a stop codon.
Molecular consequence: nonsense.
Genome position (GRCh38, 1-based): chr2:169,204,154, G>T on the plus strand (C>A on the coding strand, the complement: LRP2 is on the minus strand). VCF-style: chr2-169204154-G-T. GRCh37 (hg19) VCF-style: chr2-170060664-G-T.
Other names: short protein forms Y2611*.
Identifiers: ClinVar variation 5014034 (VCV005014034.1).
Genomic context (GRCh38, chr2:169,204,154, plus strand): 5'-TGTGGTCATTGCAATCTGACCTGACCCGTCATATTTGTTAGCTCGGTAAATTCTTTGTGT[G>T]TACAAGTCAGTCCAGTAAATATACTGGCCATAGAGAGTCAAGCCAAAAGCATGAACGGCT-3'

ClinVar aggregate classification (germline): Pathogenic (1 of 4 stars; one submission).

Conditions:
Donnai-Barrow syndrome. Also called: DBS/FOAR SYNDROME; FACIOOCULOACOUSTICORENAL SYNDROME. Identifiers: Orphanet 2143, MedGen C1857277, MONDO:0009104, OMIM 222448.

Submission:

Myriad Genetics, Inc.
Classification: Pathogenic for Donnai-Barrow syndrome. Last evaluated: 2025-01-29. Review status: criteria provided, single submitter. Criteria: Myriad Autosomal Dominant, Autosomal Recessive and X-Linked Classification Criteria (2023). Collection method: clinical testing. Allele origin: unknown.
Comment: NM_004525.2(LRP2):c.7833C>A(Y2611*) is expected to be pathogenic in the context of Donnai-Barrow syndrome. This variant is predicted to lead to an abnormal or absent protein product due to the creation of a premature termination codon in LRP2, a gene where loss-of-function variants are known to be pathogenic. Please note: this variant was assessed in the context of healthy population screening.